The following is an entry in ClinVar:

ClinVar aggregate classification (germline): Conflicting classifications of pathogenicity. Review status: criteria provided, conflicting classifications (1 of 4 stars). 23 submissions from 23 submitters: Uncertain significance (17); Likely benign (3). 3 of the submissions do not count toward it. Last evaluated 2026-08-01.

Conditions:
ATP7B-related disorder. Also called: ATP7B-related condition.
Inborn genetic diseases. Identifiers: MedGen C0950123, MeSH D030342.
Wilson disease (WND). Also called: Wilson's disease. Identifiers: Orphanet 905, MedGen C0019202, MONDO:0010200, OMIM 277900. Disease mechanism: loss of function.
Epileptic encephalopathy. Identifiers: MedGen C0543888, HP:0200134.

Allele frequency attached by ClinVar (database versions not stated): 1000 Genomes Project 0.00040; 1000 Genomes Project 30x 0.00047; ExAC 0.00133; TOPMed 0.00142; gnomAD 0.00145 and 0.00149; gnomAD exomes 0.00150 and 0.00210; ESP Exome Variant Server 0.00186.
gnomAD v4.1: 3,309 of 1,613,894 alleles (0.21%); highest among the groups gnomAD compares: Non-Finnish European, 0.23%; 12 homozygotes.

Submissions 1 to 12 of 24:

CeGaT Center for Human Genetics Tuebingen
Classification: Likely benign. Last evaluated: 2026-08-01. Review status: criteria provided, single submitter. Criteria: CeGaT Center For Human Genetics Tuebingen Variant Classification Criteria Version 2. Collection method: clinical testing. Allele origin: germline. Affected: yes. Observed: 33 variant alleles.
Comment: ATP7B: PM5, BS2

GeneDx
Classification: Uncertain significance. Last evaluated: 2026-07-23. Review status: criteria provided, single submitter. Criteria: GeneDx Variant Classification Process June 2021. Collection method: clinical testing. Allele origin: germline.
Comment: In silico analysis supports that this missense variant has a deleterious effect on protein structure/function; This variant is associated with the following publications: (PMID: 20517649, 22677543, 9671269, 22692182, 26764160, 10447265, 22484412, 32118851, 32154060, 42000590, 30275481, 41931015, 33640437, 32043565, 30097039, 34405919, 30476936, 24517292, 23518715, 25825851, 34620762, 37937776, 36573661, 39502306, 41152442, 39535360, 40661833, 36112267, 35535697, 31059521, 38532509, 23235335, 32248359, Palan2026[CaseReport], 41797663, 40818735)

PreventionGenetics, part of Exact Sciences
Classification: Uncertain significance for ATP7B-related condition. Last evaluated: 2026-03-11. Review status: criteria provided, single submitter. Criteria: ACMG Guidelines, 2015. Collection method: clinical testing. Allele origin: germline.
Comment: The ATP7B c.1995G>A variant is predicted to result in the amino acid substitution p.Met665Ile. Although this variant has been reported in multiple individuals with Wilson disease, limited clinical information is provided (Loudianos et al. 1998. PubMed ID: 9671269; Weiss et al. 2010. PubMed ID: 20517649; Bost et al. 2012. PubMed ID: 22677543; Lepori et al. 2012. PubMed ID: 22484412; Coffey et al. 2013. PubMed ID: 23518715; Ferenci. 2014. PubMed ID: 24517292; Van Biervliet et al. 2015. PubMed ID: 25825851, Tampaki et al. 2020. PubMed ID: 32118851). This variant has also been reported in unaffected individuals and interpreted as uncertain significance (Collet et al. 2018. PubMed ID: 30097039). In gnomAD, this variant has been reported 408 times among ~280,000 alleles, including a single homozygous finding. Alternate nucleotide changes affecting the same amino acid (p.Met665Val, p.Met665Arg) have been reported to be associated with schizophrenia, as well as Wilson’s disease (Hua et al. 2016. PubMed ID: 27398169; Sriretnakumar et al. 2019. PubMed ID: 30556376, M554V in Table 2). Due to the high population frequency of this variant and absence of conclusive functional and genetic evidence, at this time, the clinical significance of the c.1995G>A variant is uncertain.

Women's Health and Genetics/Laboratory Corporation of America, LabCorp
Classification: Uncertain significance. Last evaluated: 2025-11-04. Review status: criteria provided, single submitter. Criteria: LabCorp Variant Classification Summary - May 2015. Collection method: clinical testing. Allele origin: germline.
Comment: Variant summary: ATP7B c.1995G>A (p.Met665Ile) results in a conservative amino acid change in the encoded protein sequence. Algorithms developed to predict the effect of missense changes on protein structure and function are either unavailable or do not agree on the potential impact of this missense change. The variant allele was found at a frequency of 0.002 in 1615994 control chromosomes, predominantly at a frequency of 0.006 within the Ashkenazi Jewish subpopulation in the gnomAD database, including 12 homozygotes. The observed variant frequency within Ashkenazi Jewish control individuals in the gnomAD database is approximately 1.1 fold of the estimated maximal expected allele frequency for a pathogenic variant in ATP7B causing Wilson Disease phenotype (0.0054). c.1995G>A, has been reported in the literature in multiple presumed compound heterozygous individuals affected with Wilson Disease (WD) (e.g. Coffey_2013, VanBiervliet_2015, Ferenci_2019, Tampaki_2020, Collins_2021), including at least individual who carried a pathogenic variant in trans. For many WD individuals with the variant in the literature, a second mutation is not provided (e.g., Bost_2012, Lepori_2012, Loudianos_1998, Penon-Portmann_2020, Tampaki_2020), and for those that did have a second variant phase was seldom reported (though we tallied at least 10 distinct rare or LP/P variants reported as the second allele). We could not find any significant reporting of segregation with disease for this variant. These data indicate that the variant is possibly associated with disease and may be a hypomorphic variant, but there is currently insufficient evidence to make a determination. To our knowledge, no experimental evidence demonstrating an impact on protein function has been reported. The following publications have been ascertained in the context of this evaluation (PMID: 22677543, 23518715, 30097039, 33640437, 24517292, 30232804, 22484412, 9671269, 32154060, 32043565, 32118851, 25825851, 32248359, 38532509, 37937776, 39502306, 30275481, 10447265, 23235335, 36112267, 24253677, 20517649, 36573661, 35535697, 30476936, 31059521, 39535360, 31751128, 22692182, 34405919, 31449670, 34620762, 40661833). ClinVar contains an entry for this variant (Variation ID: 157933). Based on the evidence outlined above, the variant was classified as VUS-possibly benign.

Mayo Clinic Laboratories, Mayo Clinic
Classification: Uncertain significance. Last evaluated: 2025-08-04. Review status: criteria provided, single submitter. Criteria: ACMG Guidelines, 2015. Collection method: clinical testing. Allele origin: germline. Observed: 24 variant alleles.
Comment: BS1, PP3, PM3, PS3, PS4_moderate

ARUP Laboratories, Molecular Genetics and Genomics, ARUP Laboratories
Classification: Uncertain significance for Wilson disease. Last evaluated: 2025-07-30. Review status: criteria provided, single submitter. Criteria: ARUP Molecular Germline Variant Investigation Process 2024. Collection method: clinical testing. Allele origin: germline.
Comment: The ATP7B c.1995G>A, p.Met665Ile variant (rs72552259, ClinVar Variation ID: 157933) is reported in the literature in multiple individuals affected with Wilson disease, including in at least two individual with a pathogenic variant detected in trans (Bost 2012, Coffey 2013, Ferenci 2014, Lepori 2012, Loudianos 1998, Nilles 2023, Van Biervliet 2015, Weiss 2010). This variant is found in the general population with an overall allele frequency of 0.15% (408/280,594 alleles, including a single homozygote) in the Genome Aggregation Database (v2.1.1). Computational analyses are uncertain whether this variant is neutral or deleterious (REVEL: 0.655). Due to limited information, the clinical significance of the p.Met665Ile variant is uncertain at this time. References: Bost M et al. Molecular analysis of Wilson patients: direct sequencing and MLPA analysis in the ATP7B gene and Atox1 and COMMD1 gene analysis. J Trace Elem Med Biol. 2012 Jun;26(2-3):97-101. PMID: 22677543. Coffey A et al. A genetic study of Wilson's disease in the United Kingdom. Brain. 2013; 136(Pt 5):1476-87. PMID: 23518715. Ferenci P. Phenotype-genotype correlations in patients with Wilson's disease. Ann N Y Acad Sci. 2014 May;1315:1-5. PMID: 24517292. Lepori MB et al. Mutation analysis of the ATP7B gene in a new group of Wilson's disease patients: contribution to diagnosis. Mol Cell Probes. 2012 Aug;26(4):147-50. PMID: 22484412. Loudianos G et al. Further delineation of the molecular pathology of Wilson disease in the Mediterranean population. Hum Mutat. 1998; 12(2):89-94. PMID: 9671269. Nilles C et al. Diagnosis and Outcomes of Late-Onset Wilson's Disease: A National Registry-Based Study. Mov Disord. 2023 Feb;38(2):321-332. PMID: 36573661. Van Biervliet S et al. Clinical zinc deficiency as early presentation of Wilson disease. J Pediatr Gastroenterol Nutr. 2015;60(4):457-9. PMID: 25825851 Weiss KH et al. Genetic analysis of BIRC4/XIAP as a putative modifier gene of Wilson disease. J Inherit Metab Dis. 2010 Dec;33 Suppl 3:S233-40. PMID: 20517649

Color Diagnostics, LLC DBA Color Health
Classification: Likely benign for Wilson disease. Last evaluated: 2025-06-05. Review status: criteria provided, single submitter. Criteria: ACMG Guidelines, 2015. Collection method: clinical testing. Allele origin: germline.

Labcorp Genetics (formerly Invitae), Labcorp
Classification: Likely benign for Wilson disease. Last evaluated: 2025-01-31. Review status: criteria provided, single submitter. Criteria: Invitae Variant Classification Sherloc (09022015). Collection method: clinical testing. Allele origin: germline.

Blueprint Genetics
Classification: Uncertain significance. Last evaluated: 2024-11-06. Review status: criteria provided, single submitter. Criteria: ACMG Guidelines, 2015. Collection method: clinical testing. Allele origin: germline.

Lildballe Lab, Aarhus University Hospital
Classification: Uncertain significance for Wilson disease. Last evaluated: 2024-08-29. Review status: criteria provided, single submitter. Criteria: ACMG Guidelines, 2015. Collection method: clinical testing. Allele origin: germline. Affected: yes.
Comment: PM1 PP3

Fulgent Genetics
Classification: Uncertain significance for Wilson disease. Last evaluated: 2024-06-01. Review status: criteria provided, single submitter. Criteria: ACMG Guidelines, 2015. Collection method: clinical testing. Allele origin: germline.

Ambry Genetics
Classification: Uncertain significance for Inborn genetic diseases. Last evaluated: 2024-03-05. Review status: criteria provided, single submitter. Criteria: Ambry Variant Classification Scheme 2023. Collection method: clinical testing. Allele origin: germline.

NM_000053.4(ATP7B):c.1995G>A (p.Met665Ile)

Gene: ATP7B (ATPase copper transporting beta; minus strand). Cytogenetic location: 13q14.3.
Variant type: single nucleotide variant.
Coding change: c.1995G>A on transcript NM_000053.4 (MANE Select); coding-DNA position 1995, G replaced by A.
Protein change: p.Met665Ile; replaces methionine 665 with isoleucine.
Molecular consequence: missense variant. On other transcripts: intron variant (2).
Genome position (GRCh38, 1-based): chr13:51,960,274, C>T on the plus strand (G>A on the coding strand, the complement: ATP7B is on the minus strand). VCF-style: chr13-51960274-C-T. GRCh37 (hg19) VCF-style: chr13-52534410-C-T.
Other names: c.1662G>A, p.Met554Ile (NM_001243182.2); c.1995G>A, p.Met665Ile (NM_001330578.2); c.1870-2667G>A (NM_001005918.3); c.1870-1730G>A (NM_001330579.2); short protein forms M665I, M554I.
Identifiers: ClinVar variation 157933 (VCV000157933.116), dbSNP rs72552259, ClinGen allele CA271169.